The following is an entry in ClinVar:

NM_138773.4(SLC25A46):c.887A>G (p.Asn296Ser)

Gene: SLC25A46 (solute carrier family 25 member 46; plus strand). Cytogenetic location: 5q22.1.
Variant type: single nucleotide variant.
Coding change: c.887A>G on transcript NM_138773.4 (MANE Select); coding-DNA position 887, A replaced by G.
Protein change: p.Asn296Ser; replaces asparagine 296 with serine.
Molecular consequence: missense variant. On other transcripts: non-coding transcript variant (1), intron variant (1).
Genome position (GRCh38, 1-based): chr5:110,761,412, A>G. VCF-style: chr5-110761412-A-G. GRCh37 (hg19) VCF-style: chr5-110097112-A-G.
Other names: c.614A>G, p.Asn205Ser (NM_001303250.3); c.679-35A>G (NM_001303249.3); c.887A>G (NM_138773.1); short protein forms N296S, N205S.
Identifiers: ClinVar variation 542448 (VCV000542448.8), dbSNP rs201789237, ClinGen allele CA3364768.

ClinVar aggregate classification (germline): Uncertain significance. Review status: criteria provided, multiple submitters, no conflicts (2 of 4 stars). 3 submissions from 3 submitters: Uncertain significance (3). Last evaluated 2025-12-15.

Conditions:
Neuropathy, hereditary motor and sensory, type 6B (HMSN6B). Also called: Neuropathy, hereditary motor and sensory, type VIB; HMSN VIB; CHARCOT-MARIE-TOOTH DISEASE, TYPE 6B; NEUROPATHY, HEREDITARY MOTOR AND SENSORY, TYPE VIB, WITH OPTIC ATROPHY. Identifiers: MedGen C4225302, MONDO:0014671, OMIM 616505.
Inborn genetic diseases. Identifiers: MedGen C0950123, MeSH D030342.

Allele frequency attached by ClinVar (database versions not stated): gnomAD 0.00001; TOPMed 0.00001; gnomAD exomes 0.00002 and 0.00008; ExAC 0.00003; ESP Exome Variant Server 0.00008; 1000 Genomes Project 0.00020; 1000 Genomes Project 30x 0.00031.
gnomAD v4.1: 120 of 1,613,744 alleles (0.0074%); highest among the groups gnomAD compares: Non-Finnish European, 0.0097%; no homozygotes.

Submissions (3):

Ambry Genetics
Classification: Uncertain significance for Inborn genetic diseases. Last evaluated: 2025-12-15. Review status: criteria provided, single submitter. Criteria: Ambry Variant Classification Scheme 2023. Collection method: clinical testing. Allele origin: germline.

GeneDx
Classification: Uncertain significance. Last evaluated: 2024-09-17. Review status: criteria provided, single submitter. Criteria: GeneDx Variant Classification Process June 2021. Collection method: clinical testing. Allele origin: germline. Affected: yes.
Comment: Not observed at significant frequency in large population cohorts (gnomAD); In silico analysis indicates that this missense variant does not alter protein structure/function; Has not been previously published as pathogenic or benign to our knowledge

Labcorp Genetics (formerly Invitae), Labcorp
Classification: Uncertain significance for Neuropathy, hereditary motor and sensory, type 6B. Last evaluated: 2022-08-15. Review status: criteria provided, single submitter. Criteria: Invitae Variant Classification Sherloc (09022015). Collection method: clinical testing. Allele origin: germline.
Comment: This sequence change replaces asparagine, which is neutral and polar, with serine, which is neutral and polar, at codon 296 of the SLC25A46 protein (p.Asn296Ser). This variant is present in population databases (rs201789237, gnomAD 0.007%). This variant has not been reported in the literature in individuals affected with SLC25A46-related conditions. ClinVar contains an entry for this variant (Variation ID: 542448). Algorithms developed to predict the effect of missense changes on protein structure and function output the following: SIFT: "Tolerated"; PolyPhen-2: "Benign"; Align-GVGD: "Class C0". The serine amino acid residue is found in multiple mammalian species, which suggests that this missense change does not adversely affect protein function. In summary, the available evidence is currently insufficient to determine the role of this variant in disease. Therefore, it has been classified as a Variant of Uncertain Significance.